The following is an entry in ClinVar:

ClinVar aggregate classification (germline): Uncertain significance (1 of 4 stars; one submission).

Submission:

Mayo Clinic Laboratories, Mayo Clinic
Classification: Uncertain significance. Last evaluated: 2025-03-18. Review status: criteria provided, single submitter. Criteria: ACMG Guidelines, 2015. Collection method: clinical testing. Allele origin: germline. Observed: 1 variant allele.
Comment: PP3_strong, PM2_supporting

NM_001378969.1(KCND3):c.1205T>C (p.Ile402Thr)

Gene: KCND3 (potassium voltage-gated channel subfamily D member 3; minus strand). Cytogenetic location: 1p13.2.
Variant type: single nucleotide variant.
Coding change: c.1205T>C on transcript NM_001378969.1 (MANE Select); coding-DNA position 1205, T replaced by C.
Protein change: p.Ile402Thr; replaces isoleucine 402 with threonine.
Molecular consequence: missense variant.
Genome position (GRCh38, 1-based): chr1:111,787,008, A>G on the plus strand (T>C on the coding strand, the complement: KCND3 is on the minus strand). VCF-style: chr1-111787008-A-G. GRCh37 (hg19) VCF-style: chr1-112329630-A-G.
Other names: p.Ile402Thr; c.1205T>C, p.Ile402Thr (NM_001378970.1, NM_004980.5, NM_172198.3); short protein forms I402T.
Identifiers: ClinVar variation 4541357 (VCV004541357.1).